The following is an entry in ClinVar:

ClinVar aggregate classification (germline): Uncertain significance (1 of 4 stars; one submission).

Conditions:
Multiple acyl-CoA dehydrogenase deficiency (MADD). Also called: Glutaric Acidemia type 2; Glutaric aciduria, type 2; ETHYLMALONIC-ADIPICACIDURIA; GA II; Glutaric acidemia type II; GA 2. Identifiers: Orphanet 26791, MedGen C0268596, MONDO:0009282, OMIM 231680.

Submission:

Labcorp Genetics (formerly Invitae), Labcorp
Classification: Uncertain significance for Multiple acyl-CoA dehydrogenase deficiency. Last evaluated: 2023-11-27. Review status: criteria provided, single submitter. Criteria: Invitae Variant Classification Sherloc (09022015). Collection method: clinical testing. Allele origin: germline.
Comment: This sequence change replaces glutamic acid, which is acidic and polar, with lysine, which is basic and polar, at codon 211 of the ETFA protein (p.Glu211Lys). This variant is not present in population databases (gnomAD no frequency). This variant has not been reported in the literature in individuals affected with ETFA-related conditions. ClinVar contains an entry for this variant (Variation ID: 2183215). Advanced modeling of protein sequence and biophysical properties (such as structural, functional, and spatial information, amino acid conservation, physicochemical variation, residue mobility, and thermodynamic stability) has been performed at Invitae for this missense variant, however the output from this modeling did not meet the statistical confidence thresholds required to predict the impact of this variant on ETFA protein function. In summary, the available evidence is currently insufficient to determine the role of this variant in disease. Therefore, it has been classified as a Variant of Uncertain Significance.

NM_000126.4(ETFA):c.631G>A (p.Glu211Lys)

Gene: ETFA (electron transfer flavoprotein subunit alpha; minus strand). Cytogenetic location: 15q24.2.
Variant type: single nucleotide variant.
Coding change: c.631G>A on transcript NM_000126.4 (MANE Select); coding-DNA position 631, G replaced by A.
Protein change: p.Glu211Lys; replaces glutamic acid 211 with lysine.
Molecular consequence: missense variant.
Genome position (GRCh38, 1-based): chr15:76,285,670, C>T on the plus strand (G>A on the coding strand, the complement: ETFA is on the minus strand). VCF-style: chr15-76285670-C-T. GRCh37 (hg19) VCF-style: chr15-76578011-C-T.
Other names: c.484G>A, p.Glu162Lys (NM_001127716.2); short protein forms E162K, E211K.
Identifiers: ClinVar variation 2183215 (VCV002183215.4), dbSNP rs2543022258, ClinGen allele CA393513175.
Genomic context (GRCh38, chr15:76,285,670, plus strand): 5'-ATCTTTTAAGATTAATATTTCACTTACCACCAGATACCACCACTTTGGCACCTGTTAGCT[C>T]TGGTCGATCACTTTTTGTTAATTTCTGGTCAAGCCACTCTGATATTTCCACTGGTGAAGT-3'
Protein context (NP_000117.1, residues 201-221): DQKLTKSDRP[Glu211Lys]LTGAKVVVSG